The following is an entry in ClinVar:

NM_004979.6(KCND1):c.1757A>T (p.Asp586Val)

Gene: KCND1 (potassium voltage-gated channel subfamily D member 1; minus strand). Cytogenetic location: Xp11.23.
Variant type: single nucleotide variant.
Coding change: c.1757A>T on transcript NM_004979.6 (MANE Select); coding-DNA position 1757, A replaced by T.
Protein change: p.Asp586Val; replaces aspartic acid 586 with valine.
Molecular consequence: missense variant.
Genome position (GRCh38, 1-based): chrX:48,962,768, T>A on the plus strand (A>T on the coding strand, the complement: KCND1 is on the minus strand). VCF-style: chrX-48962768-T-A. GRCh37 (hg19) VCF-style: chrX-48820029-T-A.
Other names: short protein forms D586V.
Identifiers: ClinVar variation 5009312 (VCV005009312.1).

ClinVar aggregate classification (germline): Uncertain significance (1 of 4 stars; one submission).

Submission:

GeneDx
Classification: Uncertain significance. Last evaluated: 2026-03-18. Review status: criteria provided, single submitter. Criteria: GeneDx Variant Classification Process June 2021. Collection method: clinical testing. Allele origin: germline.
Comment: Not observed at significant frequency in large population cohorts (gnomAD); In silico analysis suggests that this missense variant does not alter protein structure/function; Has not been previously published as pathogenic or benign to our knowledge